The following is an entry in ClinVar:

NM_000112.4(SLC26A2):c.2217_*4del (p.Asp739fs)

Gene: SLC26A2 (solute carrier family 26 member 2; plus strand). Cytogenetic location: 5q32.
Variant type: Deletion.
Coding change: c.2217_*4del on transcript NM_000112.4 (MANE Select); coding-DNA position 2217 through 4 bases downstream of the stop codon, 8 bases deleted (TTAATTGA; older notation c.2217_*4delTTAATTGA).
Protein change: p.Asp739fs; shifts the reading frame from aspartic acid 739.
Molecular consequence: frameshift variant.
Genome position (GRCh38, 1-based): chr5:149,981,810-149,981,817, TTAATTGA deleted; deleting any 8 consecutive bases within chr5:149,981,807-149,981,817 gives the same sequence; the c. name uses the placement nearest the transcript's 3' end. VCF-style (leftmost placement, unchanged base first): chr5-149981806-GTGATTAAT-G. GRCh37 (hg19) VCF-style: chr5-149361369-GTGATTAAT-G.
Other names: short protein forms D739fs.
Identifiers: ClinVar variation 2049357 (VCV002049357.1), dbSNP rs761224496, ClinGen allele CA3505570.
Genomic context (GRCh38, chr5:149,981,806, plus strand): 5'-TTGCAGAAGTATCTAAAAATCAGAAAGGAGTATGTGTTCCCAATGGTCTGAGTCTTAGTA[GTGATTAAT>G]TGAGAAGGTAGATAGAAGAATGTCTAGCCAATAGGTTAAAATTTCAAGTGTCCAACATTT-3'

ClinVar aggregate classification (germline): Uncertain significance (1 of 4 stars; one submission).

Conditions:
Achondrogenesis, type IB (ACG1B). Also called: Achondrogenesis Type 1B. Identifiers: Orphanet 932, Orphanet 93298, MedGen C0265274, MONDO:0010966, OMIM 600972.
Multiple epiphyseal dysplasia type 4 (EDM4). Also called: Multiple Epiphyseal Dysplasia, Recessive; MULTIPLE EPIPHYSEAL DYSPLASIA WITH BILAYERED PATELLAE; MULTIPLE EPIPHYSEAL DYSPLASIA WITH CLUBFOOT; MULTIPLE EPIPHYSEAL DYSPLASIA, AUTOSOMAL RECESSIVE; SLC26A2-Related Multiple Epiphyseal Dysplasia. Identifiers: Orphanet 93307, MedGen C1847593, MONDO:0009189, OMIM 226900.
Atelosteogenesis type II (AO2). Also called: NEONATAL OSSEOUS DYSPLASIA I; Neonatal osseous dysplasia 1; SLC26A2-Related Atelosteogenesis. Identifiers: Orphanet 56304, MedGen C1850554, MONDO:0009727, OMIM 256050.
Diastrophic dysplasia (DTD). Also called: Diastrophic dwarfism. Identifiers: Orphanet 628, MedGen C0220726, MONDO:0009107, OMIM 222600.

Submission:

Labcorp Genetics (formerly Invitae), Labcorp
Classification: Uncertain significance for Atelosteogenesis type II; Multiple epiphyseal dysplasia type 4; Achondrogenesis, type IB; Diastrophic dysplasia. Last evaluated: 2022-06-29. Review status: criteria provided, single submitter. Criteria: Invitae Variant Classification Sherloc (09022015). Collection method: clinical testing. Allele origin: germline.
Comment: This sequence change results in a frameshift in the SLC26A2 gene (p.Asp739Glufs*11). While this is not anticipated to result in nonsense mediated decay, it is expected to disrupt the last 1 amino acid(s) of the SLC26A2 protein and extend the protein by 9 additional amino acid residues. This variant is present in population databases (rs761224496, gnomAD 0.004%). This variant has not been reported in the literature in individuals affected with SLC26A2-related conditions. In summary, the available evidence is currently insufficient to determine the role of this variant in disease. Therefore, it has been classified as a Variant of Uncertain Significance.